The following is an entry in ClinVar:

NM_006570.5(RRAGA):c.666G>A (p.Gln222=)

Gene: RRAGA (Ras related GTP binding A; plus strand). Cytogenetic location: 9p22.1.
Variant type: single nucleotide variant.
Coding change: c.666G>A on transcript NM_006570.5 (MANE Select); coding-DNA position 666, G replaced by A.
Protein change: p.Gln222=; no amino-acid change (glutamine 222 retained).
Molecular consequence: synonymous variant.
Genome position (GRCh38, 1-based): chr9:19,050,325, G>A. VCF-style: chr9-19050325-G-A. GRCh37 (hg19) VCF-style: chr9-19050323-G-A.
Identifiers: ClinVar variation 2050412 (VCV002050412.28), dbSNP rs41268997, ClinGen allele CA5001023.

ClinVar aggregate classification (germline): Benign/Likely benign. Review status: criteria provided, multiple submitters, no conflicts (2 of 4 stars). 2 submissions from 2 submitters: Benign (1); Likely benign (1). Last evaluated 2025-11-09.

Allele frequency attached by ClinVar (database versions not stated): 1000 Genomes Project 0.00120; 1000 Genomes Project 30x 0.00141; ExAC 0.00240; ESP Exome Variant Server 0.00354; gnomAD exomes 0.00420.

Submissions (2):

Labcorp Genetics (formerly Invitae), Labcorp
Classification: Benign. Last evaluated: 2025-11-09. Review status: criteria provided, single submitter. Criteria: Invitae Variant Classification Sherloc (09022015). Collection method: clinical testing. Allele origin: germline.

CeGaT Center for Human Genetics Tuebingen
Classification: Likely benign. Last evaluated: 2023-03-01. Review status: criteria provided, single submitter. Criteria: CeGaT Center For Human Genetics Tuebingen Variant Classification Criteria Version 2. Collection method: clinical testing. Allele origin: germline. Affected: yes. Observed: 1 variant allele.
Comment: RRAGA: BP4, BS2